The following is an entry in ClinVar:

ClinVar aggregate classification (germline): Likely pathogenic (1 of 4 stars; one submission).

Conditions:
Tip-toe gait. Also called: Toe walking. Identifiers: MedGen C0427144, HP:0030051.

Submission:

Practice for Gait Abnormalities, David Pomarino, Competency Network Toe Walking C/o Practice Pomarino
Classification: Likely pathogenic for Tip-toe gait. Last evaluated: 2021-12-03. Review status: criteria provided, single submitter. Criteria: ACMG Guidelines, 2015. Collection method: clinical testing. Allele origin: unknown. Inheritance: X-linked recessive inheritance. Affected: yes.
Comment: In the molecular genetic analysis, the variant c.1646C>T p. (Ala549Val), which was classified as "probably pathogenic" in the mutation database ClinVar in two older entries (2016) with regard to leukodystrophy and spondyloepimetaphyseal dysplasia. Mutations in AIFM1 have also been described as causative of an X-linked recessive form of Charcot-Marie-Tooth disease (Cowchock syndrome), which is associated with neurological disorders and an impact on gait. Hereditary motor sensory neuropathy (HMSN), also known as Charcot-Marie-Tooth Disease (CMT), is the most commonly inherited peripheral polyneuropathy. It constitutes a group of inherited, progressive, motor and sensory peripheral nerve disorders with properties of demyelination, axonal degeneration, or both. It is classified by clinical characteristics, modes of inheritance, electrophysiologic features, metabolic defects, and specific gene markers. Our patients all walk on tiptoe, so they show similar symptoms. When we genetically test them with our toe walking panel, we find that around 90 per cent of them have a genetic variant that explains their toe walking. These can be assigned, for example, to the area of myopathies (such as variants of the COL6A3 gene), the area of hereditary neuropathies (such as variants of the KMT2C gene) or the area of metabolic diseases (such as variants of the PYGM gene). In a smaller group of patients with almost identical symptoms, no abnormality is found in the genes of our panel, but spastic paraplegia can be detected. In another small group of our toe walkers, no abnormalities can be detected in the genes analysed in our toe walking panel, nor do they suffer from spastic paraplegia, as is also the case with healthy children. In contrast to these, however, they show a tiptoe gait. These patients suffer from infantile cerebral palsy, in which toe walking can also be observed.

Literature cited by the submitters: PubMed 37091313.

NM_004208.4(AIFM1):c.1658C>T (p.Ala553Val)

Genes: AIFM1 (apoptosis inducing factor mitochondria associated 1; minus strand), RAB33A (RAB33A, member RAS oncogene family; plus strand). Cytogenetic location: Xq26.1.
Variant type: single nucleotide variant.
Coding change: c.1658C>T on transcript NM_004208.4 (MANE Select); coding-DNA position 1658, C replaced by T.
Protein change: p.Ala553Val; replaces alanine 553 with valine.
Molecular consequence: missense variant. On other transcripts: 3 prime UTR variant (1), non-coding transcript variant (1).
Genome position (GRCh38, 1-based): chrX:130,130,082, G>A on the plus strand (C>T on the coding strand, the complement: AIFM1 is on the minus strand). VCF-style: chrX-130130082-G-A. GRCh37 (hg19) VCF-style: chrX-129264057-G-A.
Other names: c.641C>T, p.Ala214Val (NM_001130846.4); c.*886C>T (NM_001130847.4); c.1646C>T, p.Ala549Val (NM_145812.3); short protein forms A214V, A549V, A553V.
Identifiers: ClinVar variation 1338853 (VCV001338853.3), dbSNP rs2124644144, ClinGen allele CA414568743.